The following is an entry in ClinVar:

ClinVar aggregate classification (germline): Uncertain significance (1 of 4 stars; one submission).

Conditions:
Bethlem myopathy 1A. Also called: MYOPATHY, BENIGN CONGENITAL, WITH CONTRACTURES; Bethlem myopathy 1; Bethlem Muscular Dystrophy. Identifiers: Orphanet 610, MedGen CN029274, MONDO:0024530, OMIM 158810.

Submission:

Labcorp Genetics (formerly Invitae), Labcorp
Classification: Uncertain significance for Bethlem myopathy 1A. Last evaluated: 2025-11-05. Review status: criteria provided, single submitter. Criteria: Invitae Variant Classification Sherloc (09022015). Collection method: clinical testing. Allele origin: germline.
Comment: This sequence change replaces alanine, which is neutral and non-polar, with valine, which is neutral and non-polar, at codon 2908 of the COL6A3 protein (p.Ala2908Val). This variant is not present in population databases (gnomAD no frequency). This variant has not been reported in the literature in individuals affected with COL6A3-related conditions. Invitae Evidence Modeling of protein sequence and biophysical properties (such as structural, functional, and spatial information, amino acid conservation, physicochemical variation, residue mobility, and thermodynamic stability) indicates that this missense variant is not expected to disrupt COL6A3 protein function with a negative predictive value of 95%. In summary, the available evidence is currently insufficient to determine the role of this variant in disease. Therefore, it has been classified as a Variant of Uncertain Significance.

NM_004369.4(COL6A3):c.8723C>T (p.Ala2908Val)

Gene: COL6A3 (collagen type VI alpha 3 chain; minus strand). Cytogenetic location: 2q37.3.
Variant type: single nucleotide variant.
Coding change: c.8723C>T on transcript NM_004369.4 (MANE Select); coding-DNA position 8723, C replaced by T.
Protein change: p.Ala2908Val; replaces alanine 2908 with valine.
Molecular consequence: missense variant.
Genome position (GRCh38, 1-based): chr2:237,336,377, G>A on the plus strand (C>T on the coding strand, the complement: COL6A3 is on the minus strand). VCF-style: chr2-237336377-G-A. GRCh37 (hg19) VCF-style: chr2-238245020-G-A.
Other names: c.6902C>T, p.Ala2301Val (NM_057166.5); c.8105C>T, p.Ala2702Val (NM_057167.4); short protein forms A2301V, A2702V, A2908V.
Identifiers: ClinVar variation 4800375 (VCV004800375.1).
Genomic context (GRCh38, chr2:237,336,377, plus strand): 5'-GCCATCTTTGTGGCCACAGGCTTGGCAGCCACAGGTTTCGCAGGGGCCGGCTTTGCAGCG[G>A]CTGGCTTCACAGATGGCTGATTTATAATAGTCACAGGCTTTGTTGTGGTGGTTACAGGCT-3'
Protein context (NP_004360.2, residues 2898-2918): TIINQPSVKP[Ala2908Val]AAKPAPAKPV